The following is an entry in ClinVar:

ClinVar aggregate classification (germline): Likely benign. Review status: criteria provided, multiple submitters, no conflicts (2 of 4 stars). 2 submissions from 2 submitters: Likely benign (2). Last evaluated 2021-04-22.

Conditions:
Congenital contractural arachnodactyly (CCA). Also called: BEALS SYNDROME; Arthrogryposis, distal, type 9; Beals-Hecht syndrome. Identifiers: Orphanet 115, MedGen C0220668, MONDO:0007363, OMIM 121050.

gnomAD v4.1: 1 of 1,613,714 alleles (0.000062%); highest among the groups gnomAD compares: Non-Finnish European, 0.000085%; no homozygotes.

Submissions (2):

Labcorp Genetics (formerly Invitae), Labcorp
Classification: Likely benign for Congenital contractural arachnodactyly. Last evaluated: 2021-04-22. Review status: criteria provided, single submitter. Criteria: Invitae Variant Classification Sherloc (09022015). Collection method: clinical testing. Allele origin: germline.

GeneDx
Classification: Likely benign. Last evaluated: 2017-03-07. Review status: criteria provided, single submitter. Criteria: GeneDx Variant Classification (06012015). Collection method: clinical testing. Allele origin: germline. Affected: yes.
Comment: This variant is considered likely benign or benign based on one or more of the following criteria: it is a conservative change, it occurs at a poorly conserved position in the protein, it is predicted to be benign by multiple in silico algorithms, and/or has population frequency not consistent with disease.

NM_001999.4(FBN2):c.5800+20C>T

Gene: FBN2 (fibrillin 2; minus strand). Cytogenetic location: 5q23.3.
Variant type: single nucleotide variant.
Coding change: c.5800+20C>T on transcript NM_001999.4 (MANE Select); 20 bases into the intron after coding-DNA position 5800, C replaced by T.
Molecular consequence: intron variant.
Genome position (GRCh38, 1-based): chr5:128,304,937, G>A on the plus strand (C>T on the coding strand, the complement: FBN2 is on the minus strand). VCF-style: chr5-128304937-G-A. GRCh37 (hg19) VCF-style: chr5-127640629-G-A.
Identifiers: ClinVar variation 507817 (VCV000507817.9), dbSNP rs1554119695, ClinGen allele CA658796629.
Genomic context (GRCh38, chr5:128,304,937, plus strand): 5'-CTCATGGCACTTGATGGAACTGTGATCTGTTCTGGAACCCCAGCCCCACTTCACTCCCTG[G>A]AGCCACATGCCCTTCTTACCCATGCACATGGTCTGGTCCTGAGAAGCCTTAAAGCCATTG-3'